The following is an entry in ClinVar:

NM_182943.3(PLOD2):c.1563+90T>C

Gene: PLOD2 (procollagen-lysine,2-oxoglutarate 5-dioxygenase 2; minus strand). Cytogenetic location: 3q24.
Variant type: single nucleotide variant.
Coding change: c.1563+90T>C on transcript NM_182943.3 (MANE Select); 90 bases into the intron after coding-DNA position 1563, T replaced by C.
Molecular consequence: intron variant.
Genome position (GRCh38, 1-based): chr3:146,077,772, A>G on the plus strand (T>C on the coding strand, the complement: PLOD2 is on the minus strand). VCF-style: chr3-146077772-A-G. GRCh37 (hg19) VCF-style: chr3-145795559-A-G.
Other names: c.1501-877T>C (NM_000935.3).
Identifiers: ClinVar variation 674929 (VCV000674929.2), dbSNP rs9874388, ClinGen allele CA11585828.

ClinVar aggregate classification (germline): Benign. Review status: criteria provided, multiple submitters, no conflicts (2 of 4 stars). 2 submissions from 2 submitters: Benign (2). Last evaluated 2018-06-14.

Allele frequency attached by ClinVar (database versions not stated): 1000 Genomes Project 30x 0.51624; gnomAD 0.51630 and 0.51832; 1000 Genomes Project 0.51278; TOPMed 0.51830.
gnomAD v4.1: 365,550 of 723,694 alleles (51%); highest among the groups gnomAD compares: African/African-American, 56%; 93,053 homozygotes.

Submissions (2):

GeneDx
Classification: Benign. Last evaluated: 2018-06-14. Review status: criteria provided, single submitter. Criteria: GeneDx Variant Classification (06012015). Collection method: clinical testing. Allele origin: germline. Affected: yes.
Comment: This variant is considered likely benign or benign based on one or more of the following criteria: it is a conservative change, it occurs at a poorly conserved position in the protein, it is predicted to be benign by multiple in silico algorithms, and/or has population frequency not consistent with disease.

Breakthrough Genomics
Classification: Benign. Review status: criteria provided, single submitter. Criteria: ACMG Guidelines, 2015. Collection method: not provided. Allele origin: germline. Inheritance: Autosomal recessive inheritance. Affected: yes.